The following is an entry in ClinVar:

NM_022773.4(LMF1):c.1219G>A (p.Gly407Arg)

Gene: LMF1 (lipase maturation factor 1; minus strand). Cytogenetic location: 16p13.3.
Variant type: single nucleotide variant.
Coding change: c.1219G>A on transcript NM_022773.4 (MANE Select); coding-DNA position 1219, G replaced by A.
Protein change: p.Gly407Arg; replaces glycine 407 with arginine.
Molecular consequence: missense variant. On other transcripts: non-coding transcript variant (1).
Genome position (GRCh38, 1-based): chr16:870,742, C>T on the plus strand (G>A on the coding strand, the complement: LMF1 is on the minus strand). VCF-style: chr16-870742-C-T. GRCh37 (hg19) VCF-style: chr16-920742-C-T.
Other names: c.568G>A, p.Gly190Arg (NM_001352017.2, NM_001352021.2); c.820G>A, p.Gly274Arg (NM_001352018.2); c.892G>A, p.Gly298Arg (NM_001352019.2); c.1219G>A, p.Gly407Arg (NM_001352020.1); short protein forms G274R, G190R, G298R, G407R.
Identifiers: ClinVar variation 1355882 (VCV001355882.9), dbSNP rs376753256, ClinGen allele CA7797138.

ClinVar aggregate classification (germline): Uncertain significance. Review status: criteria provided, multiple submitters, no conflicts (2 of 4 stars). 3 submissions from 3 submitters: Uncertain significance (3). Last evaluated 2024-03-21.

Conditions:
Lipase deficiency, combined. Also called: LIPOPROTEIN LIPASE DEFICIENCY WITH HEPATIC TRIGLYCERIDE LIPASE DEFICIENCY; LPL AND HL DEFICIENCY; LPL AND HTGL DEFICIENCY. Identifiers: Orphanet 535453, MedGen C1855498, MONDO:0009527, OMIM 246650.
Cardiovascular phenotype. Identifiers: MedGen CN230736.

Allele frequency attached by ClinVar (database versions not stated): gnomAD 0.00002; TOPMed 0.00002; gnomAD exomes 0.00004 and 0.00008; ExAC 0.00008; ESP Exome Variant Server 0.00008.
gnomAD v4.1: 63 of 1,612,764 alleles (0.0039%); highest among the groups gnomAD compares: East Asian, 0.0089%; no homozygotes.

Submissions (3):

Ambry Genetics
Classification: Uncertain significance for Cardiovascular phenotype. Last evaluated: 2024-03-21. Review status: criteria provided, single submitter. Criteria: Ambry Variant Classification Scheme 2023. Collection method: clinical testing. Allele origin: germline.
Comment: The p.G407R variant (also known as c.1219G>A), located in coding exon 8 of the LMF1 gene, results from a G to A substitution at nucleotide position 1219. The glycine at codon 407 is replaced by arginine, an amino acid with dissimilar properties. This amino acid position is conserved. In addition, this alteration is predicted to be deleterious by in silico analysis. Since supporting evidence is limited at this time, the clinical significance of this alteration remains unclear.

Fulgent Genetics
Classification: Uncertain significance for Lipase deficiency, combined. Last evaluated: 2022-02-22. Review status: criteria provided, single submitter. Criteria: ACMG Guidelines, 2015. Collection method: clinical testing. Allele origin: unknown.

Labcorp Genetics (formerly Invitae), Labcorp
Classification: Uncertain significance. Last evaluated: 2021-09-24. Review status: criteria provided, single submitter. Criteria: Invitae Variant Classification Sherloc (09022015). Collection method: clinical testing. Allele origin: germline.
Comment: This sequence change replaces glycine with arginine at codon 407 of the LMF1 protein (p.Gly407Arg). The glycine residue is highly conserved and there is a moderate physicochemical difference between glycine and arginine. This variant is present in population databases (rs376753256, ExAC 0.01%). This variant has not been reported in the literature in individuals with LMF1-related conditions. Algorithms developed to predict the effect of missense changes on protein structure and function (SIFT, PolyPhen-2, Align-GVGD) all suggest that this variant is likely to be disruptive, but these predictions have not been confirmed by published functional studies and their clinical significance is uncertain. Algorithms developed to predict the effect of sequence changes on RNA splicing suggest that this variant may create or strengthen a splice site, but this prediction has not been confirmed by published transcriptional studies. In summary, the available evidence is currently insufficient to determine the role of this variant in disease. Therefore, it has been classified as a Variant of Uncertain Significance.